The following is an entry in ClinVar:

NM_173630.4(RTTN):c.2318C>T (p.Ser773Leu)

Gene: RTTN (rotatin; minus strand). Cytogenetic location: 18q22.2.
Variant type: single nucleotide variant.
Coding change: c.2318C>T on transcript NM_173630.4 (MANE Select); coding-DNA position 2318, C replaced by T.
Protein change: p.Ser773Leu; replaces serine 773 with leucine.
Molecular consequence: missense variant. On other transcripts: 5 prime UTR variant (1).
Genome position (GRCh38, 1-based): chr18:70,145,775, G>A on the plus strand (C>T on the coding strand, the complement: RTTN is on the minus strand). VCF-style: chr18-70145775-G-A. GRCh37 (hg19) VCF-style: chr18-67813011-G-A.
Other names: c.-330C>T (NM_001318520.2); short protein forms S773L.
Identifiers: ClinVar variation 1204631 (VCV001204631.10), dbSNP rs375642538, ClinGen allele CA8995912.
Genomic context (GRCh38, chr18:70,145,775, plus strand): 5'-CGCTTTGTATCAGCCCCTTCTTCACTGGTAAGATGGAATGCTAAAAGCTTTAATGCTAGC[G>A]AACGGACCCTGAGAACACAAAGTACTTAAGTCGAACTTTCGTGATATGCAAATGTCTATT-3'
Protein context (NP_775901.3, residues 763-783): LLLVKKPSVR[Ser773Leu]LALKLLAFHL

ClinVar aggregate classification (germline): Uncertain significance. Review status: criteria provided, multiple submitters, no conflicts (2 of 4 stars). 4 submissions from 4 submitters: Uncertain significance (4). Last evaluated 2024-11-21.

Conditions:
Microcephalic primordial dwarfism due to RTTN deficiency (MSSP). Also called: Microcephaly, short stature, and polymicrogyria with or without seizures; MICROCEPHALY, SHORT STATURE, AND POLYMICROGYRIA. Identifiers: Orphanet 468631, MedGen C3553831, MONDO:0018764, OMIM 614833.
Inborn genetic diseases. Identifiers: MedGen C0950123, MeSH D030342.

Allele frequency attached by ClinVar (database versions not stated): gnomAD exomes 0.00004 and 0.00010; ESP Exome Variant Server 0.00008; ExAC 0.00010; gnomAD 0.00012 and 0.00013; TOPMed 0.00013.
gnomAD v4.1: 81 of 1,605,162 alleles (0.005%); highest among the groups gnomAD compares: Admixed American, 0.031%; no homozygotes.

Submissions (4):

Ambry Genetics
Classification: Uncertain significance for Inborn genetic diseases. Last evaluated: 2024-11-21. Review status: criteria provided, single submitter. Criteria: Ambry Variant Classification Scheme 2023. Collection method: clinical testing. Allele origin: germline.

Labcorp Genetics (formerly Invitae), Labcorp
Classification: Uncertain significance. Last evaluated: 2024-02-24. Review status: criteria provided, single submitter. Criteria: Invitae Variant Classification Sherloc (09022015). Collection method: clinical testing. Allele origin: germline.
Comment: This sequence change replaces serine, which is neutral and polar, with leucine, which is neutral and non-polar, at codon 773 of the RTTN protein (p.Ser773Leu). This variant is present in population databases (rs375642538, gnomAD 0.03%). This missense change has been observed in individual(s) with microcephaly, short stature, and polymicrogyria with or without seizures (Invitae). ClinVar contains an entry for this variant (Variation ID: 1204631). Advanced modeling of protein sequence and biophysical properties (such as structural, functional, and spatial information, amino acid conservation, physicochemical variation, residue mobility, and thermodynamic stability) performed at Invitae indicates that this missense variant is not expected to disrupt RTTN protein function with a negative predictive value of 80%. In summary, the available evidence is currently insufficient to determine the role of this variant in disease. Therefore, it has been classified as a Variant of Uncertain Significance.

Revvity Omics, Revvity
Classification: Uncertain significance for Microcephalic primordial dwarfism due to RTTN deficiency. Last evaluated: 2023-03-21. Review status: criteria provided, single submitter. Criteria: ACMG Guidelines, 2015. Collection method: clinical testing. Allele origin: germline.

GeneDx
Classification: Uncertain significance. Last evaluated: 2019-07-02. Review status: criteria provided, single submitter. Criteria: GeneDx Variant Classification Process June 2021. Collection method: clinical testing. Allele origin: germline. Affected: yes.
Comment: In silico analysis, which includes protein predictors and evolutionary conservation, supports that this variant does not alter protein structure/function; Has not been previously published as pathogenic or benign to our knowledge